The following is an entry in ClinVar:

NM_133459.4(CCBE1):c.*814T>G

Gene: CCBE1 (collagen and calcium binding EGF domains 1; minus strand). Cytogenetic location: 18q21.32.
Variant type: single nucleotide variant.
Coding change: c.*814T>G on transcript NM_133459.4 (MANE Select); 814 bases downstream of the stop codon, T replaced by G.
Molecular consequence: 3 prime UTR variant.
Genome position (GRCh38, 1-based): chr18:59,435,094, A>C on the plus strand (T>G on the coding strand, the complement: CCBE1 is on the minus strand). VCF-style: chr18-59435094-A-C. GRCh37 (hg19) VCF-style: chr18-57102326-A-C.
Other names: c.*814T>G (LRG_1209t1).
Identifiers: ClinVar variation 327683 (VCV000327683.6), dbSNP rs9954602, ClinGen allele CA10641997.

ClinVar aggregate classification (germline): Benign. Review status: criteria provided, multiple submitters, no conflicts (2 of 4 stars). 2 submissions from 2 submitters: Benign (2). Last evaluated 2018-01-12.

Conditions:
Hennekam lymphangiectasia-lymphedema syndrome 1 (HKLLS1). Also called: LYMPHATIC DYSPLASIA, GENERALIZED. Identifiers: Orphanet 2136, MedGen C4012050, MONDO:0009337, OMIM 235510.

Allele frequency attached by ClinVar (database versions not stated): gnomAD 0.27783 and 0.27892; TOPMed 0.28543; 1000 Genomes Project 0.30132; 1000 Genomes Project 30x 0.30512.

Submissions (2):

Illumina Laboratory Services, Illumina
Classification: Benign for Hennekam lymphangiectasia-lymphedema syndrome 1. Last evaluated: 2018-01-12. Review status: criteria provided, single submitter. Criteria: ICSL Variant Classification Criteria 13 December 2019. Collection method: clinical testing. Allele origin: germline.
Comment: This variant was observed in the ICSL laboratory as part of a predisposition screen in an ostensibly healthy population. It had not been previously curated by ICSL or reported in the Human Gene Mutation Database (HGMD: prior to June 1st, 2018), and was therefore a candidate for classification through an automated scoring system. Utilizing variant allele frequency, disease prevalence and penetrance estimates, and inheritance mode, an automated score was calculated to assess if this variant is too frequent to cause the disease. Based on the score and internal cut-off values, a variant classified as benign is not then subjected to further curation. The score for this variant resulted in a classification of benign for this disease.

Breakthrough Genomics
Classification: Benign. Review status: criteria provided, single submitter. Criteria: ACMG Guidelines, 2015. Collection method: not provided. Allele origin: germline. Inheritance: Autosomal recessive inheritance. Affected: yes.